The following is an entry in ClinVar:

ClinVar aggregate classification (germline): Uncertain significance (1 of 4 stars; one submission).

Allele frequency attached by ClinVar (database versions not stated): gnomAD exomes 0.00001; ExAC 0.00002.
gnomAD v4.1: 4 of 1,613,500 alleles (0.00025%); highest among the groups gnomAD compares: East Asian, 0.0045%; no homozygotes.

Submission:

Labcorp Genetics (formerly Invitae), Labcorp
Classification: Uncertain significance. Last evaluated: 2025-02-24. Review status: criteria provided, single submitter. Criteria: Invitae Variant Classification Sherloc (09022015). Collection method: clinical testing. Allele origin: germline.
Comment: This sequence change replaces arginine, which is basic and polar, with histidine, which is basic and polar, at codon 105 of the DSG4 protein (p.Arg105His). This variant is present in population databases (rs746951483, gnomAD 0.006%). This variant has not been reported in the literature in individuals affected with DSG4-related conditions. ClinVar contains an entry for this variant (Variation ID: 2418503). Invitae Evidence Modeling of protein sequence and biophysical properties (such as structural, functional, and spatial information, amino acid conservation, physicochemical variation, residue mobility, and thermodynamic stability) has been performed for this missense variant. However, the output from this modeling did not meet the statistical confidence thresholds required to predict the impact of this variant on DSG4 protein function. In summary, the available evidence is currently insufficient to determine the role of this variant in disease. Therefore, it has been classified as a Variant of Uncertain Significance.

NM_177986.5(DSG4):c.314G>A (p.Arg105His)

Genes: DSG1-AS1 (DSG1 antisense RNA 1; minus strand), DSG4 (desmoglein 4; plus strand). Cytogenetic location: 18q12.1.
Variant type: single nucleotide variant.
Coding change: c.314G>A on transcript NM_177986.5 (MANE Select); coding-DNA position 314, G replaced by A.
Protein change: p.Arg105His; replaces arginine 105 with histidine.
Molecular consequence: missense variant.
Genome position (GRCh38, 1-based): chr18:31,388,464, G>A. VCF-style: chr18-31388464-G-A. GRCh37 (hg19) VCF-style: chr18-28968427-G-A.
Other names: c.314G>A, p.Arg105His (NM_001134453.3); short protein forms R105H.
Identifiers: ClinVar variation 2418503 (VCV002418503.6), dbSNP rs746951483, ClinGen allele CA8926681.